The following is an entry in ClinVar:

NM_024664.4(PPCS):c.205T>C (p.Ser69Pro)

Genes: CCDC30 (coiled-coil domain containing 30; plus strand), PPCS (phosphopantothenoylcysteine synthetase; plus strand). Cytogenetic location: 1p34.2.
Variant type: single nucleotide variant.
Coding change: c.205T>C on transcript NM_024664.4 (MANE Select); coding-DNA position 205, T replaced by C.
Protein change: p.Ser69Pro; replaces serine 69 with proline.
Molecular consequence: missense variant. On other transcripts: 5 prime UTR variant (1), intron variant (6).
Genome position (GRCh38, 1-based): chr1:42,456,770, T>C. VCF-style: chr1-42456770-T-C. GRCh37 (hg19) VCF-style: chr1-42922441-T-C.
Other names: c.-488T>C (NM_001287510.2); c.205T>C, p.Ser69Pro (NM_001287511.2); c.-984+271T>C (NM_001355226.2); c.-328+271T>C (NM_001287507.1); c.-12+271T>C (NM_001287506.1); c.-12+46T>C (NM_001287508.2); c.-12+142T>C (NM_001077447.3); c.-12+187T>C (NM_001287509.2); short protein forms S69P.
Identifiers: ClinVar variation 2054986 (VCV002054986.3), dbSNP rs1156505243, ClinGen allele CA339944164.

ClinVar aggregate classification (germline): Uncertain significance (1 of 4 stars; one submission).

Allele frequency attached by ClinVar (database versions not stated): gnomAD exomes below 0.00001.
gnomAD v4.1: 1 of 1,612,554 alleles (0.000062%); highest among the groups gnomAD compares: Admixed American, 0.0017%; no homozygotes.

Submission:

Labcorp Genetics (formerly Invitae), Labcorp
Classification: Uncertain significance. Last evaluated: 2022-02-07. Review status: criteria provided, single submitter. Criteria: Invitae Variant Classification Sherloc (09022015). Collection method: clinical testing. Allele origin: germline.
Comment: In summary, the available evidence is currently insufficient to determine the role of this variant in disease. Therefore, it has been classified as a Variant of Uncertain Significance. Algorithms developed to predict the effect of missense changes on protein structure and function are either unavailable or do not agree on the potential impact of this missense change (SIFT: "Deleterious"; PolyPhen-2: "Probably Damaging"; Align-GVGD: "Class C0"). This variant has not been reported in the literature in individuals affected with PPCS-related conditions. This variant is present in population databases (no rsID available, gnomAD 0.003%). This sequence change replaces serine, which is neutral and polar, with proline, which is neutral and non-polar, at codon 69 of the PPCS protein (p.Ser69Pro).